The following is an entry in ClinVar:

NM_005378.6(MYCN):c.937G>A (p.Ala313Thr)

Gene: MYCN (MYCN proto-oncogene, bHLH transcription factor; plus strand). Cytogenetic location: 2p24.3.
Variant type: single nucleotide variant.
Coding change: c.937G>A on transcript NM_005378.6 (MANE Select); coding-DNA position 937, G replaced by A.
Protein change: p.Ala313Thr; replaces alanine 313 with threonine.
Molecular consequence: missense variant. On other transcripts: 3 prime UTR variant (1).
Genome position (GRCh38, 1-based): chr2:15,945,639, G>A. VCF-style: chr2-15945639-G-A. GRCh37 (hg19) VCF-style: chr2-16085761-G-A.
Other names: c.937G>A, p.Ala313Thr (NM_001293228.2); c.304G>A, p.Ala102Thr (NM_001293231.2); c.*872G>A (NM_001293233.2); short protein forms A313T, A102T.
Identifiers: ClinVar variation 5025046 (VCV005025046.1).

ClinVar aggregate classification (germline): Uncertain significance (1 of 4 stars; one submission).

Conditions:
Inborn genetic diseases. Identifiers: MedGen C0950123, MeSH D030342.

Submission:

Ambry Genetics
Classification: Uncertain significance for Inborn genetic diseases. Last evaluated: 2026-07-13. Review status: criteria provided, single submitter. Criteria: Ambry Variant Classification Scheme 2023. Collection method: clinical testing. Allele origin: germline.
Comment: The c.937G>A (p.A313T) alteration is located in exon 3 (coding exon 2) of the MYCN gene. This alteration results from a G to A substitution at nucleotide position 937, causing the alanine (A) at amino acid position 313 to be replaced by a threonine (T). Based on data from gnomAD, the A allele has an overall frequency of <0.001% (1/251382) total alleles studied. The highest observed frequency was 0.001% (1/113688) of European (non-Finnish) alleles. Based on insufficient or conflicting evidence, the clinical significance of this alteration remains unclear.